The following is an entry in ClinVar:

ClinVar aggregate classification (germline): Benign/Likely benign. Review status: criteria provided, multiple submitters, no conflicts (2 of 4 stars). 5 submissions from 5 submitters: Benign (1); Likely benign (4). Last evaluated 2025-03-19.

Conditions:
Juvenile polyposis syndrome (JPS). Identifiers: Orphanet 2929, MedGen C0345893, MONDO:0017380, OMIM 174900.
Hereditary cancer-predisposing syndrome. Also called: Neoplastic Syndromes, Hereditary; Hereditary Cancer Syndrome; Hereditary neoplastic syndrome; Tumor predisposition. Identifiers: Orphanet 140162, MedGen C0027672, MeSH D009386, MONDO:0015356.
Familial thoracic aortic aneurysm and aortic dissection (TAAD). Also called: Thoracic aortic aneurysms and dissections. Identifiers: Orphanet 91387, MedGen C4707243, MONDO:0019625.
Juvenile polyposis/hereditary hemorrhagic telangiectasia syndrome (JPHT). Also called: POLYPOSIS, GENERALIZED JUVENILE, WITH PULMONARY ARTERIOVENOUS MALFORMATION; TELANGIECTASIA, HEREDITARY HEMORRHAGIC, WITH JUVENILE POLYPOSIS COLI; Juvenile Polyposis Syndrome / Hereditary Hemorrhagic Telangiectasia (JPS/HHT); JP/HHT SYNDROME; JUVENILE POLYPOSIS WITH HEREDITARY HEMORRHAGIC TELANGIECTASIA. Identifiers: Orphanet 2929, MedGen C1832942, MONDO:0008278, OMIM 175050.

Allele frequency attached by ClinVar (database versions not stated): gnomAD exomes below 0.00001.
gnomAD v4.1: 1 of 1,614,178 alleles (0.000062%); highest among the groups gnomAD compares: Admixed American, 0.0017%; no homozygotes.

Submissions (5):

Myriad Genetics, Inc.
Classification: Benign for Juvenile polyposis/hereditary hemorrhagic telangiectasia syndrome. Last evaluated: 2025-03-19. Review status: criteria provided, single submitter. Criteria: Myriad Autosomal Dominant, Autosomal Recessive and X-Linked Classification Criteria (2023). Collection method: clinical testing. Allele origin: unknown.
Comment: This variant is considered benign. This variant is a silent/synonymous amino acid change and it is not expected to impact splicing.

Women's Health and Genetics/Laboratory Corporation of America, LabCorp
Classification: Likely benign. Last evaluated: 2023-08-10. Review status: criteria provided, single submitter. Criteria: LabCorp Variant Classification Summary - May 2015. Collection method: clinical testing. Allele origin: germline.

Labcorp Genetics (formerly Invitae), Labcorp
Classification: Likely benign for Juvenile polyposis syndrome. Last evaluated: 2023-07-28. Review status: criteria provided, single submitter. Criteria: Invitae Variant Classification Sherloc (09022015). Collection method: clinical testing. Allele origin: germline.

Quest Diagnostics Nichols Institute San Juan Capistrano
Classification: Likely benign. Last evaluated: 2021-02-05. Review status: criteria provided, single submitter. Criteria: Quest Diagnostics criteria. Collection method: clinical testing. Allele origin: unknown.

Ambry Genetics
Classification: Likely benign for Hereditary cancer-predisposing syndrome; Familial thoracic aortic aneurysm and aortic dissection. Last evaluated: 2021-01-25. Review status: criteria provided, single submitter. Criteria: Ambry Variant Classification Scheme 2023. Collection method: clinical testing. Allele origin: germline.

NM_005359.6(SMAD4):c.684A>C (p.Ile228=)

Gene: SMAD4 (SMAD family member 4; plus strand). Cytogenetic location: 18q21.2.
Variant type: single nucleotide variant.
Coding change: c.684A>C on transcript NM_005359.6 (MANE Select); coding-DNA position 684, A replaced by C.
Protein change: p.Ile228=; no amino-acid change (isoleucine 228 retained).
Molecular consequence: synonymous variant.
Genome position (GRCh38, 1-based): chr18:51,058,141, A>C. VCF-style: chr18-51058141-A-C. GRCh37 (hg19) VCF-style: chr18-48584511-A-C.
Identifiers: ClinVar variation 460563 (VCV000460563.16), dbSNP rs1555685906, ClinGen allele CA503993802.